The following is an entry in ClinVar:

NM_015909.4(NBAS):c.4840A>G (p.Thr1614Ala)

Gene: NBAS (NBAS subunit of NRZ tethering complex; minus strand). Cytogenetic location: 2p24.3.
Variant type: single nucleotide variant.
Coding change: c.4840A>G on transcript NM_015909.4 (MANE Select); coding-DNA position 4840, A replaced by G.
Protein change: p.Thr1614Ala; replaces threonine 1614 with alanine.
Molecular consequence: missense variant. On other transcripts: non-coding transcript variant (1).
Genome position (GRCh38, 1-based): chr2:15,292,724, T>C on the plus strand (A>G on the coding strand, the complement: NBAS is on the minus strand). VCF-style: chr2-15292724-T-C. GRCh37 (hg19) VCF-style: chr2-15432848-T-C.
Other names: short protein forms T1614A.
Identifiers: ClinVar variation 2057557 (VCV002057557.2), dbSNP rs868025337, ClinGen allele CA42613145.

ClinVar aggregate classification (germline): Uncertain significance (1 of 4 stars; one submission).

gnomAD v4.1: 6 of 1,614,022 alleles (0.00037%); highest among the groups gnomAD compares: Middle Eastern, 0.066%; no homozygotes.

Submission:

Labcorp Genetics (formerly Invitae), Labcorp
Classification: Uncertain significance. Last evaluated: 2021-12-24. Review status: criteria provided, single submitter. Criteria: Invitae Variant Classification Sherloc (09022015). Collection method: clinical testing. Allele origin: germline.
Comment: Algorithms developed to predict the effect of missense changes on protein structure and function output the following: SIFT: "Deleterious"; PolyPhen-2: "Benign"; Align-GVGD: "Class C55". The alanine amino acid residue is found in multiple mammalian species, which suggests that this missense change does not adversely affect protein function. This variant has not been reported in the literature in individuals affected with NBAS-related conditions. This variant is present in population databases (no rsID available, gnomAD 0.0009%). This sequence change replaces threonine, which is neutral and polar, with alanine, which is neutral and non-polar, at codon 1614 of the NBAS protein (p.Thr1614Ala). In summary, the available evidence is currently insufficient to determine the role of this variant in disease. Therefore, it has been classified as a Variant of Uncertain Significance.